The following is an entry in ClinVar:

ClinVar aggregate classification (germline): Likely benign. Review status: criteria provided, multiple submitters, no conflicts (2 of 4 stars). 3 submissions from 3 submitters: Likely benign (3). Last evaluated 2024-09-12.

gnomAD v4.1: 55 of 1,613,876 alleles (0.0034%); highest among the groups gnomAD compares: Admixed American, 0.0083%; no homozygotes.

Submissions (3):

Blueprint Genetics
Classification: Likely benign. Last evaluated: 2024-09-12. Review status: criteria provided, single submitter. Criteria: ACMG Guidelines, 2015. Collection method: clinical testing. Allele origin: germline.

Labcorp Genetics (formerly Invitae), Labcorp
Classification: Likely benign. Last evaluated: 2024-08-31. Review status: criteria provided, single submitter. Criteria: Invitae Variant Classification Sherloc (09022015). Collection method: clinical testing. Allele origin: germline.

CeGaT Center for Human Genetics Tuebingen
Classification: Likely benign. Last evaluated: 2024-02-01. Review status: criteria provided, single submitter. Criteria: CeGaT Center For Human Genetics Tuebingen Variant Classification Criteria Version 2. Collection method: clinical testing. Allele origin: germline. Affected: yes. Observed: 1 variant allele.
Comment: SH3PXD2B: BP4, BP7

NM_001017995.3(SH3PXD2B):c.1284G>A (p.Thr428=)

Gene: SH3PXD2B (SH3 and PX domains 2B; minus strand). Cytogenetic location: 5q35.1.
Variant type: single nucleotide variant.
Coding change: c.1284G>A on transcript NM_001017995.3 (MANE Select); coding-DNA position 1284, G replaced by A.
Protein change: p.Thr428=; no amino-acid change (threonine 428 retained).
Molecular consequence: synonymous variant. On other transcripts: intron variant (1).
Genome position (GRCh38, 1-based): chr5:172,339,821, C>T on the plus strand (G>A on the coding strand, the complement: SH3PXD2B is on the minus strand). VCF-style: chr5-172339821-C-T. GRCh37 (hg19) VCF-style: chr5-171766825-C-T.
Other names: c.1188+6315G>A (NM_001308175.2).
Identifiers: ClinVar variation 721446 (VCV000721446.30), dbSNP rs3812017, ClinGen allele CA3561228.
Genomic context (GRCh38, chr5:172,339,821, plus strand): 5'-CCGGAGCTGGGTCACCTCGTGGGGCAGGGGAGCCAGAAAGTTGGGTCTCGACGCGTTGCT[C>T]GTCTTCTTGTACTTGTCAATGAAGGTGGCCGGGGCCCACCCTTCCTTATCTTCAATCTGA-3'
Protein context (NP_001017995.1, residues 418-438): PATFIDKYKK[Thr428=]SNASRPNFLA